The following is an entry in ClinVar:

ClinVar aggregate classification (germline): Benign. Review status: criteria provided, multiple submitters, no conflicts (2 of 4 stars). 2 submissions from 2 submitters: Benign (2). Last evaluated 2018-01-13.

Conditions:
Ellis-van Creveld syndrome (EVC). Also called: EVC-Related Ellis-van Creveld Syndrome; EVC2-Related Ellis-van Creveld Syndrome; MESOECTODERMAL DYSPLASIA; Chondroectodermal dysplasia. Identifiers: Orphanet 289, MedGen C0013903, MONDO:0009162, OMIM 225500.

Allele frequency attached by ClinVar (database versions not stated): gnomAD exomes 0.00203; gnomAD 0.01938 and 0.02002; 1000 Genomes Project 0.09665.

Submissions (2):

Illumina Laboratory Services, Illumina
Classification: Benign for Ellis-van Creveld syndrome. Last evaluated: 2018-01-13. Review status: criteria provided, single submitter. Criteria: ICSL Variant Classification Criteria 13 December 2019. Collection method: clinical testing. Allele origin: germline.
Comment: This variant was observed in the ICSL laboratory as part of a predisposition screen in an ostensibly healthy population. It had not been previously curated by ICSL or reported in the Human Gene Mutation Database (HGMD: prior to June 1st, 2018), and was therefore a candidate for classification through an automated scoring system. Utilizing variant allele frequency, disease prevalence and penetrance estimates, and inheritance mode, an automated score was calculated to assess if this variant is too frequent to cause the disease. Based on the score and internal cut-off values, a variant classified as benign is not then subjected to further curation. The score for this variant resulted in a classification of benign for this disease.

Breakthrough Genomics
Classification: Benign. Review status: criteria provided, single submitter. Criteria: ACMG Guidelines, 2015. Collection method: not provided. Allele origin: germline. Inheritance: Autosomal recessive inheritance. Affected: yes.

NM_153717.3(EVC):c.*1083T>G

Gene: EVC (EvC ciliary complex subunit 1; plus strand). Cytogenetic location: 4p16.2.
Variant type: single nucleotide variant.
Coding change: c.*1083T>G on transcript NM_153717.3 (MANE Select); 1083 bases downstream of the stop codon, T replaced by G.
Molecular consequence: 3 prime UTR variant.
Genome position (GRCh38, 1-based): chr4:5,812,120, T>G. VCF-style: chr4-5812120-T-G. GRCh37 (hg19) VCF-style: chr4-5813847-T-G.
Other names: c.*1083T>G (NM_001306090.2).
Identifiers: ClinVar variation 349239 (VCV000349239.6), dbSNP rs71599850, ClinGen allele CA10621402.
Genomic context (GRCh38, chr4:5,812,120, plus strand): 5'-CCTGGAGAGAAGCTTCCAGACCAGCCCCTCACACCACAGCCAGGAGAGGCCTTTCCCACC[T>G]GGAGAGAAACTTCCAGACCAGCCCCTCATACCACAGCCAAGAGGGGCCTTTCTCACCTGG-3'